The following is an entry in ClinVar:

NM_001136191.3(KANK2):c.1178C>G (p.Ala393Gly)

Gene: KANK2 (KN motif and ankyrin repeat domains 2; minus strand). Cytogenetic location: 19p13.2.
Variant type: single nucleotide variant.
Coding change: c.1178C>G on transcript NM_001136191.3 (MANE Select); coding-DNA position 1178, C replaced by G.
Protein change: p.Ala393Gly; replaces alanine 393 with glycine.
Molecular consequence: missense variant.
Genome position (GRCh38, 1-based): chr19:11,192,902, G>C on the plus strand (C>G on the coding strand, the complement: KANK2 is on the minus strand). VCF-style: chr19-11192902-G-C. GRCh37 (hg19) VCF-style: chr19-11303578-G-C.
Other names: c.1178C>G, p.Ala393Gly (NM_001379562.1, NM_001379563.1, NM_015493.7 and 15 more transcripts); c.1178C>G (NM_015493.6); short protein forms A393G.
Identifiers: ClinVar variation 2903020 (VCV002903020.4), dbSNP rs149352845, ClinGen allele CA9205878.
Genomic context (GRCh38, chr19:11,192,902, plus strand): 5'-TCGCAGCTTCGCTCTGTGATGCTAATCTTCTTCACCATATGGACGTTGCTGGTAGCTGCA[G>C]CGGGCACTGGGCACATTGTCTCCACCACCTCCTGGCTGCGGAACACAGGTGGGCTCTCAG-3'
Protein context (NP_001129663.1, residues 383-403): EVVETMCPVP[Ala393Gly]AATSNVHMVK

ClinVar aggregate classification (germline): Uncertain significance. Review status: criteria provided, multiple submitters, no conflicts (2 of 4 stars). 2 submissions from 2 submitters: Uncertain significance (2). Last evaluated 2025-10-23.

Allele frequency attached by ClinVar (database versions not stated): gnomAD exomes 0.00002; TOPMed 0.00015; ExAC 0.00002; gnomAD 0.00016; ESP Exome Variant Server 0.00046.
gnomAD v4.1: 53 of 1,614,004 alleles (0.0033%); highest among the groups gnomAD compares: African/African-American, 0.071%; no homozygotes.

Submissions (2):

Labcorp Genetics (formerly Invitae), Labcorp
Classification: Uncertain significance. Last evaluated: 2025-10-23. Review status: criteria provided, single submitter. Criteria: Invitae Variant Classification Sherloc (09022015). Collection method: clinical testing. Allele origin: germline.
Comment: This sequence change replaces alanine, which is neutral and non-polar, with glycine, which is neutral and non-polar, at codon 393 of the KANK2 protein (p.Ala393Gly). This variant is present in population databases (rs149352845, gnomAD 0.05%). This variant has not been reported in the literature in individuals affected with KANK2-related conditions. ClinVar contains an entry for this variant (Variation ID: 2903020). An algorithm developed to predict the effect of missense changes on protein structure and function (PolyPhen-2) suggests that this variant is likely to be tolerated. In summary, the available evidence is currently insufficient to determine the role of this variant in disease. Therefore, it has been classified as a Variant of Uncertain Significance.

Ambry Genetics
Classification: Uncertain significance. Last evaluated: 2025-09-09. Review status: criteria provided, single submitter. Criteria: Ambry Variant Classification Scheme 2023. Collection method: clinical testing. Allele origin: germline.